The following is an entry in ClinVar:

ClinVar aggregate classification (germline): Uncertain significance. Review status: criteria provided, multiple submitters, no conflicts (2 of 4 stars). 5 submissions from 5 submitters: Uncertain significance (5). Last evaluated 2026-03-18.

Conditions:
Inborn genetic diseases. Identifiers: MedGen C0950123, MeSH D030342.
Developmental and epileptic encephalopathy, 18 (DEE18). Also called: Early infantile epileptic encephalopathy 18. Identifiers: Orphanet 369894, MedGen C3809624, MONDO:0014201, OMIM 615476.

Allele frequency attached by ClinVar (database versions not stated): ExAC 0.00003; gnomAD 0.00005 and 0.00006; TOPMed 0.00012.
gnomAD v4.1: 34 of 1,613,638 alleles (0.0021%); highest among the groups gnomAD compares: Admixed American, 0.0067%; no homozygotes.

Submissions (5):

Ambry Genetics
Classification: Uncertain significance for Inborn genetic diseases. Last evaluated: 2026-03-18. Review status: criteria provided, single submitter. Criteria: Ambry Variant Classification Scheme 2023. Collection method: clinical testing. Allele origin: germline.

Labcorp Genetics (formerly Invitae), Labcorp
Classification: Uncertain significance. Last evaluated: 2024-10-29. Review status: criteria provided, single submitter. Criteria: Invitae Variant Classification Sherloc (09022015). Collection method: clinical testing. Allele origin: germline.
Comment: This sequence change replaces arginine, which is basic and polar, with histidine, which is basic and polar, at codon 2544 of the SZT2 protein (p.Arg2544His). This variant is present in population databases (rs757425191, gnomAD 0.006%). This variant has not been reported in the literature in individuals affected with SZT2-related conditions. ClinVar contains an entry for this variant (Variation ID: 645034). Invitae Evidence Modeling of protein sequence and biophysical properties (such as structural, functional, and spatial information, amino acid conservation, physicochemical variation, residue mobility, and thermodynamic stability) indicates that this missense variant is not expected to disrupt SZT2 protein function with a negative predictive value of 80%. In summary, the available evidence is currently insufficient to determine the role of this variant in disease. Therefore, it has been classified as a Variant of Uncertain Significance.

Genome-Nilou Lab
Classification: Uncertain significance for Developmental and epileptic encephalopathy, 18. Last evaluated: 2023-04-11. Review status: criteria provided, single submitter. Criteria: ACMG Guidelines, 2015. Collection method: clinical testing. Allele origin: germline. Affected: no.

GeneDx
Classification: Uncertain significance. Last evaluated: 2021-10-27. Review status: criteria provided, single submitter. Criteria: GeneDx Variant Classification Process June 2021. Collection method: clinical testing. Allele origin: germline. Affected: yes.
Comment: Not observed at significant frequency in large population cohorts (Lek et al., 2016); In silico analysis, which includes protein predictors and evolutionary conservation, supports that this variant does not alter protein structure/function; Has not been previously published as pathogenic or benign to our knowledge

CeGaT Center for Human Genetics Tuebingen
Classification: Uncertain significance. Last evaluated: 2019-07-01. Review status: criteria provided, single submitter. Criteria: CeGaT Center For Human Genetics Tuebingen Variant Classification Criteria Version 2. Collection method: clinical testing. Allele origin: germline. Affected: yes. Observed: 1 variant allele.

NM_001365999.1(SZT2):c.7802G>A (p.Arg2601His)

Gene: SZT2 (SZT2 subunit of KICSTOR complex; plus strand). Cytogenetic location: 1p34.2.
Variant type: single nucleotide variant.
Coding change: c.7802G>A on transcript NM_001365999.1 (MANE Select); coding-DNA position 7802, G replaced by A.
Protein change: p.Arg2601His; replaces arginine 2601 with histidine.
Molecular consequence: missense variant.
Genome position (GRCh38, 1-based): chr1:43,442,059, G>A. VCF-style: chr1-43442059-G-A. GRCh37 (hg19) VCF-style: chr1-43907730-G-A.
Other names: c.7631G>A, p.Arg2544His (NM_015284.4); short protein forms R2601H, R2544H.
Identifiers: ClinVar variation 645034 (VCV000645034.56), dbSNP rs757425191, ClinGen allele CA810343.
Genomic context (GRCh38, chr1:43,442,059, plus strand): 5'-GGGGTTCAGAGCCAGAGATCTTCGGCCCTTGTTCCCCTGGGCAACTGGGCCCCTCTCCCC[G>A]CCCTGCAGCTGAGCGGCATCTGCTGCTTCTGGGAAGGAACTTCTTGCAGTGGAGGAGACC-3'
Protein context (NP_001352928.1, residues 2591-2611): CSPGQLGPSP[Arg2601His]PAAERHLLLL